The following is an entry in ClinVar:

NM_003235.5(TG):c.3847+20C>G

Gene: TG (thyroglobulin; plus strand). Cytogenetic location: 8q24.22.
Variant type: single nucleotide variant.
Coding change: c.3847+20C>G on transcript NM_003235.5 (MANE Select); 20 bases into the intron after coding-DNA position 3847, C replaced by G.
Molecular consequence: intron variant.
Genome position (GRCh38, 1-based): chr8:132,906,920, C>G. VCF-style: chr8-132906920-C-G. GRCh37 (hg19) VCF-style: chr8-133919165-C-G.
Identifiers: ClinVar variation 3021210 (VCV003021210.4), dbSNP rs376845203, ClinGen allele CA4883905.

ClinVar aggregate classification (germline): Likely benign. Review status: criteria provided, multiple submitters, no conflicts (2 of 4 stars). 2 submissions from 2 submitters: Likely benign (2). Last evaluated 2024-10-11.

Allele frequency attached by ClinVar (database versions not stated): TOPMed 0.00006; ESP Exome Variant Server 0.00008; gnomAD exomes 0.00021.
gnomAD v4.1: 309 of 1,598,328 alleles (0.019%); highest among the groups gnomAD compares: Non-Finnish European, 0.026%; no homozygotes.

Submissions (2):

Women's Health and Genetics/Laboratory Corporation of America, LabCorp
Classification: Likely benign. Last evaluated: 2024-10-11. Review status: criteria provided, single submitter. Criteria: LabCorp Variant Classification Summary - May 2015. Collection method: clinical testing. Allele origin: germline.
Comment: Variant summary: TG c.3847+20C>G alters a non-conserved nucleotide located at a position not widely known to affect splicing. Consensus agreement among computation tools predict no significant impact on normal splicing. However, these predictions have yet to be confirmed by functional studies. The variant allele was found at a frequency of 0.00019 in 1591382 control chromosomes. This frequency is not significantly higher than estimated for a pathogenic variant in TG causing TG-Related Disorders, allowing no conclusion about variant significance. To our knowledge, no occurrence of c.3847+20C>G in individuals affected with TG-Related Disorders and no experimental evidence demonstrating its impact on protein function have been reported. ClinVar contains an entry for this variant (Variation ID: 3021210). Based on the evidence outlined above, the variant was classified as likely benign.

Labcorp Genetics (formerly Invitae), Labcorp
Classification: Likely benign. Last evaluated: 2024-01-09. Review status: criteria provided, single submitter. Criteria: Invitae Variant Classification Sherloc (09022015). Collection method: clinical testing. Allele origin: germline.